The following is an entry in ClinVar:

ClinVar aggregate classification (germline): Uncertain significance (1 of 4 stars; one submission).

Conditions:
CHARGE syndrome (CHARGE). Also called: Hittner Hirsch Kreh syndrome; CHARGE ASSOCIATION--COLOBOMA, HEART ANOMALY, CHOANAL ATRESIA, RETARDATION, GENITAL AND EAR ANOMALIES; Coloboma, heart anomaly, choanal atresia, retardation, genital and ear anomalies; CHARGE association; Hall-Hittner syndrome. Identifiers: Orphanet 138, MedGen C0265354, MONDO:0008965.

Submission:

Labcorp Genetics (formerly Invitae), Labcorp
Classification: Uncertain significance for CHARGE syndrome. Last evaluated: 2024-10-28. Review status: criteria provided, single submitter. Criteria: Invitae Variant Classification Sherloc (09022015). Collection method: clinical testing. Allele origin: germline.
Comment: This sequence change replaces serine, which is neutral and polar, with proline, which is neutral and non-polar, at codon 1882 of the CHD7 protein (p.Ser1882Pro). This variant is not present in population databases (gnomAD no frequency). This variant has not been reported in the literature in individuals affected with CHD7-related conditions. Invitae Evidence Modeling of protein sequence and biophysical properties (such as structural, functional, and spatial information, amino acid conservation, physicochemical variation, residue mobility, and thermodynamic stability) indicates that this missense variant is not expected to disrupt CHD7 protein function with a negative predictive value of 80%. In summary, the available evidence is currently insufficient to determine the role of this variant in disease. Therefore, it has been classified as a Variant of Uncertain Significance.

NM_017780.4(CHD7):c.5644T>C (p.Ser1882Pro)

Gene: CHD7 (chromodomain helicase DNA binding protein 7; plus strand). Cytogenetic location: 8q12.2.
Variant type: single nucleotide variant.
Coding change: c.5644T>C on transcript NM_017780.4 (MANE Select); coding-DNA position 5644, T replaced by C.
Protein change: p.Ser1882Pro; replaces serine 1882 with proline.
Molecular consequence: missense variant. On other transcripts: intron variant (1).
Genome position (GRCh38, 1-based): chr8:60,851,298, T>C. VCF-style: chr8-60851298-T-C. GRCh37 (hg19) VCF-style: chr8-61763857-T-C.
Other names: c.1717-10931T>C (NM_001316690.1); short protein forms S1882P.
Identifiers: ClinVar variation 3666949 (VCV003666949.2).